The following is an entry in ClinVar:

NM_024426.6(WT1):c.571A>G (p.Ser191Gly)

Genes: WT1 (WT1 transcription factor; minus strand), LOC107982234 (WT1/WT1-AS bi-directional promoter region; plus strand). Cytogenetic location: 11p13.
Variant type: single nucleotide variant.
Coding change: c.571A>G on transcript NM_024426.6 (MANE Select); coding-DNA position 571, A replaced by G.
Protein change: p.Ser191Gly; replaces serine 191 with glycine.
Molecular consequence: missense variant. On other transcripts: non-coding transcript variant (2).
Genome position (GRCh38, 1-based): chr11:32,434,790, T>C on the plus strand (A>G on the coding strand, the complement: WT1 is on the minus strand). VCF-style: chr11-32434790-T-C. GRCh37 (hg19) VCF-style: chr11-32456336-T-C.
Other names: c.571A>G, p.Ser191Gly (NM_000378.6, NM_001407044.1, NM_001407045.1 and 6 more transcripts); c.352A>G, p.Ser118Gly (NM_001429031.1, NM_001429032.1, NM_001429033.1 and 1 more transcripts); short protein forms S191G, S118G, S186G.
Identifiers: ClinVar variation 4825407 (VCV004825407.1).

ClinVar aggregate classification (germline): Uncertain significance (1 of 4 stars; one submission).

Conditions:
Inborn genetic diseases. Identifiers: MedGen C0950123, MeSH D030342.

Submission:

Ambry Genetics
Classification: Uncertain significance for Inborn genetic diseases. Last evaluated: 2026-02-22. Review status: criteria provided, single submitter. Criteria: Ambry Variant Classification Scheme 2023. Collection method: clinical testing. Allele origin: germline.
Comment: The p.S186G variant (also known as c.556A>G), located in coding exon 1 of the WT1 gene, results from an A to G substitution at nucleotide position 556. The serine at codon 186 is replaced by glycine, an amino acid with similar properties. This amino acid position is conserved. In addition, this alteration is predicted to be tolerated by in silico analysis. Based on the available evidence, the clinical significance of this variant remains unclear.